The following is an entry in ClinVar:

ClinVar aggregate classification (germline): Pathogenic. Review status: criteria provided, multiple submitters, no conflicts (2 of 4 stars). 3 submissions from 3 submitters: Pathogenic (2). 1 of the submissions does not count toward it. Last evaluated 2024-07-01.

Conditions:
Junctional epidermolysis bullosa gravis of Herlitz. Also called: Epidermolysis Bullosa Letalis; EPIDERMOLYSIS BULLOSA JUNCTIONALIS, HERLITZ TYPE; EPIDERMOLYSIS BULLOSA, JUNCTIONAL, HERLITZ-PEARSON TYPE; JEB-HERLITZ TYPE; EPIDERMOLYSIS BULLOSA, JUNCTIONAL 1B, SEVERE; Herlitz-type junctional epidermolysis bullosa. Identifiers: Orphanet 79404, MedGen C0079683, MONDO:0009182, OMIM 226700.

Allele frequency attached by ClinVar (database versions not stated): gnomAD exomes below 0.00001; ExAC 0.00001.
gnomAD v4.1: 1 of 1,613,866 alleles (0.000062%); highest among the groups gnomAD compares: Non-Finnish European, 0.000085%; no homozygotes.

Submissions (3):

CeGaT Center for Human Genetics Tuebingen
Classification: Pathogenic. Last evaluated: 2024-07-01. Review status: criteria provided, single submitter. Criteria: CeGaT Center For Human Genetics Tuebingen Variant Classification Criteria Version 2. Collection method: clinical testing. Allele origin: germline. Affected: yes. Observed: 1 variant allele.
Comment: LAMB3: PVS1, PM2, PM3

Labcorp Genetics (formerly Invitae), Labcorp
Classification: Pathogenic. Last evaluated: 2022-09-19. Review status: criteria provided, single submitter. Criteria: Invitae Variant Classification Sherloc (09022015). Collection method: clinical testing. Allele origin: germline.
Comment: For these reasons, this variant has been classified as Pathogenic. This sequence change affects an acceptor splice site in intron 8 of the LAMB3 gene. It is expected to disrupt RNA splicing. Variants that disrupt the donor or acceptor splice site typically lead to a loss of protein function (PMID: 16199547), and loss-of-function variants in LAMB3 are known to be pathogenic (PMID: 11023379, 16473856). Algorithms developed to predict the effect of sequence changes on RNA splicing suggest that this variant may disrupt the consensus splice site. ClinVar contains an entry for this variant (Variation ID: 553742). Disruption of this splice site has been observed in individuals with autosomal recessive junctional epidermolysis bullosa (PMID: 27480391). The frequency data for this variant in the population databases is considered unreliable, as metrics indicate poor data quality at this position in the gnomAD database.

Counsyl
Classification: Likely pathogenic for Junctional epidermolysis bullosa gravis of Herlitz. Last evaluated: 2017-09-06. Review status: no assertion criteria provided. Collection method: clinical testing. Allele origin: unknown. Not counted in ClinVar's aggregate classification.

Literature cited by the submitters: PubMed 16199547 (cited by Labcorp Genetics (formerly Invitae), Labcorp); PubMed 11023379 (cited by Labcorp Genetics (formerly Invitae), Labcorp); PubMed 16473856 (cited by Labcorp Genetics (formerly Invitae), Labcorp); PubMed 27480391 (cited by Labcorp Genetics (formerly Invitae), Labcorp).

NM_000228.3(LAMB3):c.823-1G>T

Gene: LAMB3 (laminin subunit beta 3; minus strand). Cytogenetic location: 1q32.2.
Variant type: single nucleotide variant.
Coding change: c.823-1G>T on transcript NM_000228.3 (MANE Select); the canonical splice acceptor site of the intron before coding-DNA position 823, G replaced by T.
Molecular consequence: splice acceptor variant.
Genome position (GRCh38, 1-based): chr1:209,630,736, C>A on the plus strand (G>T on the coding strand, the complement: LAMB3 is on the minus strand). VCF-style: chr1-209630736-C-A. GRCh37 (hg19) VCF-style: chr1-209804081-C-A.
Other names: c.823-1G>T (NM_001127641.1, NM_001017402.2).
Identifiers: ClinVar variation 553742 (VCV000553742.29), dbSNP rs778372285, ClinGen allele CA1375810.
Genomic context (GRCh38, chr1:209,630,736, plus strand): 5'-TGCACAGCGCTCACAATTTGGGCCGGCAGTGTTGTGCTGGCAGACACAGACATCGTGGAC[C>A]TGGGAGGGGGACCGTCAGCCATCAGGAGTAATCAACAAAGAAGGGCACCAGGGATGGACC-3'